The following is an entry in ClinVar:

ClinVar aggregate classification (germline): Uncertain significance (1 of 4 stars; one submission).

gnomAD v4.1: 1 of 1,614,158 alleles (0.000062%); highest among the groups gnomAD compares: East Asian, 0.0022%; no homozygotes.

Submission:

Women's Health and Genetics/Laboratory Corporation of America, LabCorp
Classification: Uncertain significance. Last evaluated: 2025-06-18. Review status: criteria provided, single submitter. Criteria: LabCorp Variant Classification Summary - May 2015. Collection method: clinical testing. Allele origin: germline.
Comment: Variant summary: DYSF c.1579G>T (p.Gly527Cys) results in a non-conservative amino acid change in the encoded protein sequence. Algorithms developed to predict the effect of missense changes on protein structure and function all suggest that this variant is likely to be disruptive. The variant was absent in 251442 control chromosomes. The available data on variant occurrences in the general population are insufficient to allow any conclusion about variant significance. c.1579G>T has been observed in the compound heterozygous state in at least one individual affected with Limb-Girdle Muscular Dystrophy, Autosomal Recessive (Shin_2015). These data do not allow any conclusion about variant significance. To our knowledge, no experimental evidence demonstrating an impact on protein function has been reported. The following publication have been ascertained in the context of this evaluation (PMID: 25868377). No submitters have cited clinical-significance assessments for this variant to ClinVar. Based on the evidence outlined above, the variant was classified as uncertain significance.

Literature cited by the submitters: PubMed 25868377.

NM_001130987.2(DYSF):c.1633G>T (p.Gly545Cys)

Gene: DYSF (dysferlin; plus strand). Cytogenetic location: 2p13.2.
Variant type: single nucleotide variant.
Coding change: c.1633G>T on transcript NM_001130987.2 (MANE Select); coding-DNA position 1633, G replaced by T.
Protein change: p.Gly545Cys; replaces glycine 545 with cysteine.
Molecular consequence: missense variant.
Genome position (GRCh38, 1-based): chr2:71,551,097, G>T. VCF-style: chr2-71551097-G-T. GRCh37 (hg19) VCF-style: chr2-71778227-G-T.
Other names: c.1582G>T, p.Gly528Cys (NM_001130455.2, NM_001130983.2); c.1537G>T, p.Gly513Cys (NM_001130976.2, NM_001130977.2); c.1579G>T, p.Gly527Cys (NM_001130978.2, NM_003494.4); c.1672G>T, p.Gly558Cys (NM_001130979.2); c.1630G>T, p.Gly544Cys (NM_001130980.2, NM_001130981.2); c.1675G>T, p.Gly559Cys (NM_001130982.2); c.1540G>T, p.Gly514Cys (NM_001130984.2, NM_001130986.2); c.1633G>T, p.Gly545Cys (NM_001130985.2); short protein forms G513C, G514C, G527C, G528C, G544C, G545C, G558C, G559C.
Identifiers: ClinVar variation 3907033 (VCV003907033.1).
Genomic context (GRCh38, chr2:71,551,097, plus strand): 5'-CCAGTGGATGACTACCTGGGCTTCCTCCCCACTTTTGGGCCCTGCTACATCAACCTCTAT[G>T]GCAGTCCCAGAGAGTTCACAGGCTTCCCAGACCCCTACACAGAGCTCAACACAGGCAAGG-3'
Protein context (NP_001124459.1, residues 535-555): TFGPCYINLY[Gly545Cys]SPREFTGFPD